The following is an entry in ClinVar:

ClinVar aggregate classification (germline): Benign. Review status: criteria provided, multiple submitters, no conflicts (2 of 4 stars). 2 submissions from 2 submitters: Benign (2). Last evaluated 2026-01-24.

Conditions:
Diabetes insipidus, nephrogenic, X-linked. Also called: Nephrogenic Diabetes Insipidus, Type I. Identifiers: Orphanet 223, MedGen C1563705, MONDO:0010581, OMIM 304800.

Allele frequency attached by ClinVar (database versions not stated): gnomAD 0.00001 and 0.00010; TOPMed 0.00006; gnomAD exomes 0.00028 and 0.00061; ExAC 0.00059; 1000 Genomes Project 30x 0.00104; 1000 Genomes Project 0.00106.

Submissions (2):

Labcorp Genetics (formerly Invitae), Labcorp
Classification: Benign. Last evaluated: 2026-01-24. Review status: criteria provided, single submitter. Criteria: Invitae Variant Classification Sherloc (09022015). Collection method: clinical testing. Allele origin: germline.

Illumina Laboratory Services, Illumina
Classification: Benign for Diabetes insipidus, nephrogenic, X-linked. Last evaluated: 2018-01-13. Review status: criteria provided, single submitter. Criteria: ICSL Variant Classification Criteria 13 December 2019. Collection method: clinical testing. Allele origin: germline.
Comment: This variant was observed in the ICSL laboratory as part of a predisposition screen in an ostensibly healthy population. It had not been previously curated by ICSL or reported in the Human Gene Mutation Database (HGMD: prior to June 1st, 2018), and was therefore a candidate for classification through an automated scoring system. Utilizing variant allele frequency, disease prevalence and penetrance estimates, and inheritance mode, an automated score was calculated to assess if this variant is too frequent to cause the disease. Based on the score and internal cut-off values, a variant classified as benign is not then subjected to further curation. The score for this variant resulted in a classification of benign for this disease.

NM_000054.7(AVPR2):c.416G>A (p.Arg139His)

Gene: AVPR2 (arginine vasopressin receptor 2; plus strand). Cytogenetic location: Xq28.
Variant type: single nucleotide variant.
Coding change: c.416G>A on transcript NM_000054.7 (MANE Select); coding-DNA position 416, G replaced by A.
Protein change: p.Arg139His; replaces arginine 139 with histidine.
Molecular consequence: missense variant.
Genome position (GRCh38, 1-based): chrX:153,905,922, G>A. VCF-style: chrX-153905922-G-A. GRCh37 (hg19) VCF-style: chrX-153171376-G-A.
Other names: c.416G>A, p.Arg139His (NM_001146151.3); short protein forms R139H.
Identifiers: ClinVar variation 913725 (VCV000913725.7), dbSNP rs782096959, ClinGen allele CA10554999.